The following is an entry in ClinVar:

NC_000010.11:g.133438843_133565298dup

Genes: CYP2E1 (cytochrome P450 family 2 subfamily E member 1; plus strand), SCART1 (scavenger receptor family member expressed on T cells 1; plus strand), SYCE1 (synaptonemal complex central element protein 1; minus strand), LOC110599585 (CYP2E1 5' regulatory region; plus strand), LOC126861107 (BRD4-independent group 4 enhancer GRCh37_chr10:135344892-135346091; plus strand) and 5 more. Cytogenetic location: 10q26.3.
Variant type: Duplication.
Identifiers: ClinVar variation 157191 (VCV000157191.3).

ClinVar aggregate classification (germline): not provided. Review status: no classification provided (0 of 4 stars). 2 submissions from 1 submitter: not provided (2).

Conditions:
Preeclampsia. Identifiers: Orphanet 275555, MedGen C0032914, MONDO:0005081, HP:0100602.
Normal pregnancy. Identifiers: MedGen C0232989.

Submissions (2):

Institute of Molecular and Cell Biology, University of Tartu
No classification provided. Condition: Preeclampsia. Review status: no classification provided. Collection method: case-control. Allele origin: unknown. Affected: yes. Study: Kasak2014.
Comment: The study aimed to determine the contribution of copy number variants in the genetic etiology of normal and complicated pregnancies. The samples represented (i) maternal blood DNA drawn from healthy pregnant women during 1st or 2nd trimester and (ii) maternal and paternal blood DNA drawn at term pregnancy cases representing normal and complicated gestations (severe preeclampsia, PE; gestational diabetes, GD; small-for-gestational age newborn, SGA; large-for-gestational age newborn, LGA). We performed CNV calling based on genome-wide genotyping dataset (Illumina HumanOmniExpress-24-v1 BeadChip) by applying three algorithms, QuantiSNP, GADA (Genome Alteration Detection Algorithm) and CNstream in parallel. The acquired CNV calls were merged with HD-CNV (Hotspot Detector for Copy Number Variants) program and only the CNVs predicted by at least two programs, were considered in subsequent analysis.

Institute of Molecular and Cell Biology, University of Tartu
No classification provided. Condition: Normal pregnancy. Review status: no classification provided. Collection method: case-control. Allele origin: unknown. Affected: yes. Study: Kasak2014.
Comment: the same text as in the submission from Institute of Molecular and Cell Biology, University of Tartu above.

Literature cited by the submitters: PubMed 25666259.